The following is an entry in ClinVar:

NM_000481.4(AMT):c.574C>T (p.Gln192Ter)

Gene: AMT (aminomethyltransferase; minus strand). Cytogenetic location: 3p21.31.
Variant type: single nucleotide variant.
Coding change: c.574C>T on transcript NM_000481.4 (MANE Select); coding-DNA position 574, C replaced by T.
Protein change: p.Gln192Ter; replaces glutamine 192 with a stop codon.
Molecular consequence: nonsense. On other transcripts: non-coding transcript variant (1).
Genome position (GRCh38, 1-based): chr3:49,419,382, G>A on the plus strand (C>T on the coding strand, the complement: AMT is on the minus strand). VCF-style: chr3-49419382-G-A. GRCh37 (hg19) VCF-style: chr3-49456815-G-A.
Other names: c.442C>T, p.Gln148Ter (NM_001164710.2); c.406C>T, p.Gln136Ter (NM_001164711.2); c.574C>T, p.Gln192Ter (NM_001164712.2); short protein forms Q192*, Q136*, Q148*.
Identifiers: ClinVar variation 11980 (VCV000011980.12), dbSNP rs121964986, ClinGen allele CA256155.

ClinVar aggregate classification (germline): Pathogenic/Likely pathogenic. Review status: criteria provided, multiple submitters, no conflicts (2 of 4 stars). 4 submissions from 4 submitters: Pathogenic (1); Likely pathogenic (1). 2 of the submissions do not count toward it. Last evaluated 2025-11-24.

Conditions:
Glycine encephalopathy 1 (GCE1). Identifiers: MedGen CN376801, MONDO:0958179, OMIM 605899.
Glycine encephalopathy 2 (GCE2). Identifiers: MedGen C5830559, MONDO:0958192, OMIM 620398.
Glycine encephalopathy. Also called: Non-ketotic hyperglycinemia; Nonketotic hyperglycinemia. Identifiers: Orphanet 407, MedGen C0751748, MONDO:0011612, HP:0008288.

Allele frequency attached by ClinVar (database versions not stated): gnomAD exomes 0.00002.
gnomAD v4.1: 25 of 1,614,078 alleles (0.0015%); highest among the groups gnomAD compares: Non-Finnish European, 0.0019%; no homozygotes.

Submissions (4):

Labcorp Genetics (formerly Invitae), Labcorp
Classification: Pathogenic for Glycine encephalopathy. Last evaluated: 2025-11-24. Review status: criteria provided, single submitter. Criteria: Invitae Variant Classification Sherloc (09022015). Collection method: clinical testing. Allele origin: germline.
Comment: This sequence change creates a premature translational stop signal (p.Gln192*) in the AMT gene. It is expected to result in an absent or disrupted protein product. Loss-of-function variants in AMT are known to be pathogenic (PMID: 16450403). This variant is not present in population databases (gnomAD no frequency). This premature translational stop signal has been observed in individual(s) with clinical features of non-ketotic hyperglycinemia (PMID: 10873393). ClinVar contains an entry for this variant (Variation ID: 11980). Algorithms developed to predict the effect of sequence changes on RNA splicing suggest that this variant may disrupt the consensus splice site. For these reasons, this variant has been classified as Pathogenic.

Natera, Inc.
Classification: Likely pathogenic for Non-ketotic hyperglycinemia. Last evaluated: 2025-09-23. Review status: criteria provided, single submitter. Criteria: Natera Variant Classification Schema (03/2026). Collection method: clinical testing. Allele origin: germline.
Comment: The c.574C>T variant in AMT is a nonsense variant predicted to introduce a stop codon at amino acid 192. This variant is expected to result in nonsense mediated decay, truncation, or a dysfunctional protein product. This variant is rare in the general population with a frequency below the threshold expected for the associated phenotype(s). Given the available evidence, this variant is classified as Likely Pathogenic.

Counsyl
Classification: Likely pathogenic for Glycine encephalopathy 1. Last evaluated: 2018-04-17. Review status: no assertion criteria provided. Collection method: clinical testing. Allele origin: unknown. Not counted in ClinVar's aggregate classification.

OMIM
Classification: Pathogenic for GLYCINE ENCEPHALOPATHY 2. Last evaluated: 2000-06-01. Review status: no assertion criteria provided. Collection method: literature only. Allele origin: germline. Not counted in ClinVar's aggregate classification.

Literature cited by the submitters: PubMed 16450403 (cited by Labcorp Genetics (formerly Invitae), Labcorp); PubMed 10873393 (cited by 3 submitters).